The following is an entry in ClinVar:

NM_001365951.3(KIF1B):c.958+5G>A

Gene: KIF1B (kinesin family member 1B; plus strand). Cytogenetic location: 1p36.22.
Variant type: single nucleotide variant.
Coding change: c.958+5G>A on transcript NM_001365951.3 (MANE Select); 5 bases into the intron after coding-DNA position 958, G replaced by A.
Molecular consequence: intron variant.
Genome position (GRCh38, 1-based): chr1:10,275,508, G>A. VCF-style: chr1-10275508-G-A. GRCh37 (hg19) VCF-style: chr1-10335566-G-A.
Other names: c.940+5G>A (NM_183416.4, NM_015074.3, NM_001365953.1); c.958+5G>A (NM_001365952.1).
Identifiers: ClinVar variation 2033427 (VCV002033427.4), dbSNP rs2521149437, ClinGen allele CA2580060662.

ClinVar aggregate classification (germline): Uncertain significance (1 of 4 stars; one submission).

Conditions:
Charcot-Marie-Tooth disease type 2. Also called: Charcot-Marie-Tooth type 2. Identifiers: Orphanet 64746, MedGen C0270914, MONDO:0018993.

Submission:

Labcorp Genetics (formerly Invitae), Labcorp
Classification: Uncertain significance for Charcot-Marie-Tooth disease type 2. Last evaluated: 2022-09-30. Review status: criteria provided, single submitter. Criteria: Invitae Variant Classification Sherloc (09022015). Collection method: clinical testing. Allele origin: germline.
Comment: This sequence change falls in intron 10 of the KIF1B gene. It does not directly change the encoded amino acid sequence of the KIF1B protein. It affects a nucleotide within the consensus splice site. This variant is not present in population databases (gnomAD no frequency). This variant has not been reported in the literature in individuals affected with KIF1B-related conditions. Variants that disrupt the consensus splice site are a relatively common cause of aberrant splicing (PMID: 17576681, 9536098). Algorithms developed to predict the effect of sequence changes on RNA splicing suggest that this variant may disrupt the consensus splice site. In summary, the available evidence is currently insufficient to determine the role of this variant in disease. Therefore, it has been classified as a Variant of Uncertain Significance.

Literature cited by the submitters: PubMed 17576681; PubMed 9536098.